The following is an entry in ClinVar:

ClinVar aggregate classification (germline): Benign (0 of 4 stars; one submission).

Conditions:
KIAA0319-related disorder. Also called: KIAA0319-related condition.

Allele frequency attached by ClinVar (database versions not stated): 1000 Genomes Project 0.17352; 1000 Genomes Project 30x 0.17583; TOPMed 0.18679; gnomAD 0.19037; ESP Exome Variant Server 0.19560; ExAC 0.22273; gnomAD exomes 0.22335.

Submission:

PreventionGenetics, part of Exact Sciences
Classification: Benign for KIAA0319-related condition. Last evaluated: 2019-10-30. Review status: no assertion criteria provided. Collection method: clinical testing. Allele origin: germline.
Comment: This variant is classified as benign based on ACMG/AMP sequence variant interpretation guidelines (Richards et al. 2015 PMID: 25741868, with internal and published modifications).

NM_014809.4(KIAA0319):c.2694T>C (p.Ala898=)

Gene: KIAA0319 (KIAA0319; minus strand). Cytogenetic location: 6p22.3.
Variant type: single nucleotide variant.
Coding change: c.2694T>C on transcript NM_014809.4 (MANE Select); coding-DNA position 2694, T replaced by C.
Protein change: p.Ala898=; no amino-acid change (alanine 898 retained).
Molecular consequence: synonymous variant.
Genome position (GRCh38, 1-based): chr6:24,559,053, A>G on the plus strand (T>C on the coding strand, the complement: KIAA0319 is on the minus strand). VCF-style: chr6-24559053-A-G. GRCh37 (hg19) VCF-style: chr6-24559281-A-G.
Other names: c.2667T>C, p.Ala889= (NM_001168374.2); c.2694T>C, p.Ala898= (NM_001168375.2, NM_001168377.2, NM_001350403.2 and 2 more transcripts); c.2559T>C, p.Ala853= (NM_001168376.2, NM_001350406.2); c.927T>C, p.Ala309= (NM_001252328.2); c.2676T>C, p.Ala892= (NM_001350404.2); c.2595T>C, p.Ala865= (NM_001350405.2); c.2238T>C, p.Ala746= (NM_001350409.2, NM_001350410.2).
Identifiers: ClinVar variation 3060711 (VCV003060711.2), dbSNP rs807541, ClinGen allele CA3657132.